The following is an entry in ClinVar:

ClinVar aggregate classification (germline): Uncertain significance (1 of 4 stars; one submission).

Conditions:
LAMA2-related disorder. Also called: LAMA2-related condition; LAMA2-related disorders.

gnomAD v4.1: 1 of 1,612,686 alleles (0.000062%); no homozygotes.

Submission:

PreventionGenetics, part of Exact Sciences
Classification: Uncertain significance for LAMA2-related condition. Last evaluated: 2023-10-06. Review status: criteria provided, single submitter. Criteria: ACMG Guidelines, 2015. Collection method: clinical testing. Allele origin: germline.
Comment: The LAMA2 c.6563G>C variant is predicted to result in the amino acid substitution p.Ser2188Thr. To our knowledge, this variant has not been reported in the literature or in a large population database, indicating this variant is rare. At this time, the clinical significance of this variant is uncertain due to the absence of conclusive functional and genetic evidence.

NM_000426.4(LAMA2):c.6563G>C (p.Ser2188Thr)

Gene: LAMA2 (laminin subunit alpha 2; plus strand). Cytogenetic location: 6q22.33.
Variant type: single nucleotide variant.
Coding change: c.6563G>C on transcript NM_000426.4 (MANE Select); coding-DNA position 6563, G replaced by C.
Protein change: p.Ser2188Thr; replaces serine 2188 with threonine.
Molecular consequence: missense variant.
Genome position (GRCh38, 1-based): chr6:129,453,121, G>C. VCF-style: chr6-129453121-G-C. GRCh37 (hg19) VCF-style: chr6-129774266-G-C.
Other names: c.6563G>C, p.Ser2188Thr (NM_001079823.2); short protein forms S2188T.
Identifiers: ClinVar variation 2631968 (VCV002631968.1), dbSNP rs372592018, ClinGen allele CA365616776.